The following is an entry in ClinVar:

ClinVar aggregate classification (germline): Uncertain significance. Review status: criteria provided, multiple submitters, no conflicts (2 of 4 stars). 2 submissions from 2 submitters: Uncertain significance (2). Last evaluated 2025-03-09.

gnomAD v4.1: 8 of 1,613,364 alleles (0.0005%); highest among the groups gnomAD compares: Admixed American, 0.013%; no homozygotes.

Submissions (2):

Labcorp Genetics (formerly Invitae), Labcorp
Classification: Uncertain significance. Last evaluated: 2025-03-09. Review status: criteria provided, single submitter. Criteria: Invitae Variant Classification Sherloc (09022015). Collection method: clinical testing. Allele origin: germline.
Comment: This sequence change replaces glutamic acid, which is acidic and polar, with alanine, which is neutral and non-polar, at codon 385 of the ERMARD protein (p.Glu385Ala). This variant is present in population databases (no rsID available, gnomAD 0.009%). This variant has not been reported in the literature in individuals affected with ERMARD-related conditions. ClinVar contains an entry for this variant (Variation ID: 3510197). Invitae Evidence Modeling of protein sequence and biophysical properties (such as structural, functional, and spatial information, amino acid conservation, physicochemical variation, residue mobility, and thermodynamic stability) indicates that this missense variant is not expected to disrupt ERMARD protein function with a negative predictive value of 80%. In summary, the available evidence is currently insufficient to determine the role of this variant in disease. Therefore, it has been classified as a Variant of Uncertain Significance.

Ambry Genetics
Classification: Uncertain significance. Last evaluated: 2024-08-27. Review status: criteria provided, single submitter. Criteria: Ambry Variant Classification Scheme 2023. Collection method: clinical testing. Allele origin: germline.

NM_018341.3(ERMARD):c.1154A>C (p.Glu385Ala)

Gene: ERMARD (ER membrane associated RNA degradation; plus strand). Cytogenetic location: 6q27.
Variant type: single nucleotide variant.
Coding change: c.1154A>C on transcript NM_018341.3 (MANE Select); coding-DNA position 1154, A replaced by C.
Protein change: p.Glu385Ala; replaces glutamic acid 385 with alanine.
Molecular consequence: missense variant.
Genome position (GRCh38, 1-based): chr6:169,769,634, A>C. VCF-style: chr6-169769634-A-C. GRCh37 (hg19) VCF-style: chr6-170169730-A-C.
Other names: c.1154A>C, p.Glu385Ala (NM_001278531.2, NM_001278533.2); c.776A>C, p.Glu259Ala (NM_001278532.2); c.746A>C, p.Glu249Ala (NM_001410957.1); short protein forms E259A, E385A, E249A.
Identifiers: ClinVar variation 3510197 (VCV003510197.2).